The following is an entry in ClinVar:

NM_003114.5(SPAG1):c.2444C>T (p.Ala815Val)

Gene: SPAG1 (sperm associated antigen 1; plus strand). Cytogenetic location: 8q22.2.
Variant type: single nucleotide variant.
Coding change: c.2444C>T on transcript NM_003114.5 (MANE Select); coding-DNA position 2444, C replaced by T.
Protein change: p.Ala815Val; replaces alanine 815 with valine.
Molecular consequence: missense variant.
Genome position (GRCh38, 1-based): chr8:100,240,566, C>T. VCF-style: chr8-100240566-C-T. GRCh37 (hg19) VCF-style: chr8-101252794-C-T.
Other names: c.2444C>T, p.Ala815Val (NM_001374321.1, NM_172218.3); short protein forms A815V.
Identifiers: ClinVar variation 1791370 (VCV001791370.9), dbSNP rs4734455, ClinGen allele CA4827752.

ClinVar aggregate classification (germline): Likely benign. Review status: criteria provided, multiple submitters, no conflicts (2 of 4 stars). 3 submissions from 3 submitters: Likely benign (2). 1 of the submissions does not count toward it. Last evaluated 2026-01-18.

Conditions:
SPAG1-related disorder. Also called: SPAG1-related condition.
Primary ciliary dyskinesia 28. Also called: CILIARY DYSKINESIA, PRIMARY, 28, WITH OR WITHOUT SITUS INVERSUS. Identifiers: Orphanet 244, MedGen C3809706, MONDO:0014216, OMIM 615505.
Primary ciliary dyskinesia. Also called: Ciliary dyskinesia. Identifiers: Orphanet 244, MedGen C0008780, MONDO:0016575, HP:0012265.

Allele frequency attached by ClinVar (database versions not stated): gnomAD 0.00009; TOPMed 0.00022; ExAC 0.00034.
gnomAD v4.1: 184 of 1,613,942 alleles (0.011%); highest among the groups gnomAD compares: East Asian, 0.31%; 1 homozygote.

Submissions (3):

Labcorp Genetics (formerly Invitae), Labcorp
Classification: Likely benign for Primary ciliary dyskinesia 28. Last evaluated: 2026-01-18. Review status: criteria provided, single submitter. Criteria: Invitae Variant Classification Sherloc (09022015). Collection method: clinical testing. Allele origin: germline.

Ambry Genetics
Classification: Likely benign for Primary ciliary dyskinesia. Last evaluated: 2022-07-27. Review status: criteria provided, single submitter. Criteria: Ambry Variant Classification Scheme 2023. Collection method: clinical testing. Allele origin: germline.

PreventionGenetics, part of Exact Sciences
Classification: Likely benign for SPAG1-related condition. Last evaluated: 2022-03-18. Review status: no assertion criteria provided. Collection method: clinical testing. Allele origin: germline. Not counted in ClinVar's aggregate classification.
Comment: This variant is classified as likely benign based on ACMG/AMP sequence variant interpretation guidelines (Richards et al. 2015 PMID: 25741868, with internal and published modifications).